The following is an entry in ClinVar:

NM_001312673.2(PCYT1A):c.847C>T (p.Arg283Ter)

Gene: PCYT1A (phosphate cytidylyltransferase 1A, choline; minus strand). Cytogenetic location: 3q29.
Variant type: single nucleotide variant.
Coding change: c.847C>T on transcript NM_001312673.2 (MANE Select); coding-DNA position 847, C replaced by T.
Protein change: p.Arg283Ter; replaces arginine 283 with a stop codon.
Molecular consequence: nonsense.
Genome position (GRCh38, 1-based): chr3:196,239,597, G>A on the plus strand (C>T on the coding strand, the complement: PCYT1A is on the minus strand). VCF-style: chr3-196239597-G-A. GRCh37 (hg19) VCF-style: chr3-195966468-G-A.
Other names: c.847C>T, p.Arg283Ter (NM_005017.4); short protein forms R283*.
Identifiers: ClinVar variation 101060 (VCV000101060.7), dbSNP rs587777192, ClinGen allele CA214464.

ClinVar aggregate classification (germline): Conflicting classifications of pathogenicity. Review status: criteria provided, conflicting classifications (1 of 4 stars). 4 submissions from 4 submitters: Pathogenic (2); Uncertain significance (1). 1 of the submissions does not count toward it. Last evaluated 2022-09-13.

Conditions:
Spondylometaphyseal dysplasia-cone-rod dystrophy syndrome. Identifiers: Orphanet 85167, MedGen C1837073, MONDO:0012160, OMIM 608940.

Allele frequency attached by ClinVar (database versions not stated): gnomAD exomes below 0.00001 and 0.00001; gnomAD 0.00001; TOPMed 0.00002.
gnomAD v4.1: 16 of 1,612,996 alleles (0.00099%); highest among the groups gnomAD compares: Middle Eastern, 0.016%; no homozygotes.

Submissions (4):

Labcorp Genetics (formerly Invitae), Labcorp
Classification: Uncertain significance. Last evaluated: 2022-09-13. Review status: criteria provided, single submitter. Criteria: Invitae Variant Classification Sherloc (09022015). Collection method: clinical testing. Allele origin: germline.
Comment: This sequence change creates a premature translational stop signal (p.Arg283*) in the PCYT1A gene. It is expected to result in an absent or disrupted protein product. However, the current clinical and genetic evidence is not sufficient to establish whether loss-of-function variants in PCYT1A cause disease. This variant is present in population databases (rs587777192, gnomAD 0.003%). This premature translational stop signal has been observed in individual(s) with retinal dystrophy and/or spondylometaphyseal dysplasia with cone-rod dystrophy (PMID: 24387990, 28272537). ClinVar contains an entry for this variant (Variation ID: 101060). In summary, the available evidence is currently insufficient to determine the role of this variant in disease. Therefore, it has been classified as a Variant of Uncertain Significance.

Fulgent Genetics
Classification: Pathogenic for Spondylometaphyseal dysplasia-cone-rod dystrophy syndrome. Last evaluated: 2022-02-07. Review status: criteria provided, single submitter. Criteria: ACMG Guidelines, 2015. Collection method: clinical testing. Allele origin: unknown.

Baylor-Hopkins Center for Mendelian Genomics, Johns Hopkins University School of Medicine
Classification: Pathogenic for Spondylometaphyseal dysplasia-cone-rod dystrophy syndrome. Review status: criteria provided, single submitter. Criteria: Submitter's publication. Collection method: research. Allele origin: germline. Affected: yes. Observed: 1 compound heterozygote.

OMIM
Classification: Pathogenic for SPONDYLOMETAPHYSEAL DYSPLASIA WITH CONE-ROD DYSTROPHY. Last evaluated: 2014-01-02. Review status: no assertion criteria provided. Collection method: literature only. Allele origin: germline. Not counted in ClinVar's aggregate classification.

Literature cited by the submitters: PubMed 24387990 (cited by Labcorp Genetics (formerly Invitae), Labcorp and OMIM); PubMed 28272537 (cited by Labcorp Genetics (formerly Invitae), Labcorp and OMIM).